The following is an entry in ClinVar:

ClinVar aggregate classification (germline): Uncertain significance. Review status: criteria provided, multiple submitters, no conflicts (2 of 4 stars). 2 submissions from 2 submitters: Uncertain significance (2). Last evaluated 2026-04-28.

Conditions:
NARS2-related disorder. Also called: NARS2-related condition.
Inborn genetic diseases. Identifiers: MedGen C0950123, MeSH D030342.

Allele frequency attached by ClinVar (database versions not stated): gnomAD exomes 0.00001 and 0.00006; TOPMed 0.00002; ExAC 0.00005.
gnomAD v4.1: 15 of 1,610,990 alleles (0.00093%); highest among the groups gnomAD compares: Admixed American, 0.025%; no homozygotes.

Submissions (2):

PreventionGenetics, part of Exact Sciences
Classification: Uncertain significance for NARS2-related condition. Last evaluated: 2026-04-28. Review status: criteria provided, single submitter. Criteria: ACMG Guidelines, 2015. Collection method: clinical testing. Allele origin: germline.
Comment: The NARS2 c.5T>C variant is predicted to result in the amino acid substitution p.Leu2Pro. To our knowledge, this variant has not been reported in the literature. This variant is reported in 0.044% of alleles in individuals of Latino descent in gnomAD. At this time, the clinical significance of this variant is uncertain due to the absence of conclusive functional and genetic evidence.

Ambry Genetics
Classification: Uncertain significance for Inborn genetic diseases. Last evaluated: 2022-05-25. Review status: criteria provided, single submitter. Criteria: Ambry Variant Classification Scheme 2023. Collection method: clinical testing. Allele origin: germline.
Comment: The c.5T>C (p.L2P) alteration is located in coding exon 1 of the NARS2 gene. This alteration results from a T to C substitution at nucleotide position 5, causing the leucine (L) at amino acid position 2 to be replaced by a proline (P). Based on insufficient or conflicting evidence, the clinical significance of this alteration remains unclear.

NM_024678.6(NARS2):c.5T>C (p.Leu2Pro)

Gene: NARS2 (asparaginyl-tRNA synthetase 2, mitochondrial; minus strand). Cytogenetic location: 11q14.1.
Variant type: single nucleotide variant.
Coding change: c.5T>C on transcript NM_024678.6 (MANE Select); coding-DNA position 5, T replaced by C.
Protein change: p.Leu2Pro; replaces leucine 2 with proline.
Molecular consequence: missense variant. On other transcripts: intron variant (1).
Genome position (GRCh38, 1-based): chr11:78,574,484, A>G on the plus strand (T>C on the coding strand, the complement: NARS2 is on the minus strand). VCF-style: chr11-78574484-A-G. GRCh37 (hg19) VCF-style: chr11-78285529-A-G.
Other names: c.-541+345T>C (NM_001243251.2); short protein forms L2P.
Identifiers: ClinVar variation 985312 (VCV000985312.5), dbSNP rs778711345, ClinGen allele CA6206013.